The following is an entry in ClinVar:

NM_000229.2(LCAT):c.1017C>T (p.Tyr339=)

Gene: LCAT (lecithin-cholesterol acyltransferase; minus strand). Cytogenetic location: 16q22.1.
Variant type: single nucleotide variant.
Coding change: c.1017C>T on transcript NM_000229.2 (MANE Select); coding-DNA position 1017, C replaced by T.
Protein change: p.Tyr339=; no amino-acid change (tyrosine 339 retained).
Molecular consequence: synonymous variant.
Genome position (GRCh38, 1-based): chr16:67,940,210, G>A on the plus strand (C>T on the coding strand, the complement: LCAT is on the minus strand). VCF-style: chr16-67940210-G-A. GRCh37 (hg19) VCF-style: chr16-67974113-G-A.
Identifiers: ClinVar variation 1747648 (VCV001747648.24), dbSNP rs138943456, ClinGen allele CA8120917.

ClinVar aggregate classification (germline): Likely benign. Review status: criteria provided, multiple submitters, no conflicts (2 of 4 stars). 3 submissions from 3 submitters: Likely benign (3). Last evaluated 2025-07-22.

Conditions:
Cardiovascular phenotype. Identifiers: MedGen CN230736.

Allele frequency attached by ClinVar (database versions not stated): gnomAD exomes 0.00005; ESP Exome Variant Server 0.00008; ExAC 0.00011; 1000 Genomes Project 30x 0.00016; 1000 Genomes Project 0.00020; TOPMed 0.00020; gnomAD 0.00021.
gnomAD v4.1: 120 of 1,612,722 alleles (0.0074%); highest among the groups gnomAD compares: African/African-American, 0.056%; no homozygotes.

Submissions (3):

Labcorp Genetics (formerly Invitae), Labcorp
Classification: Likely benign. Last evaluated: 2025-07-22. Review status: criteria provided, single submitter. Criteria: Invitae Variant Classification Sherloc (09022015). Collection method: clinical testing. Allele origin: germline.

CeGaT Center for Human Genetics Tuebingen
Classification: Likely benign. Last evaluated: 2024-07-01. Review status: criteria provided, single submitter. Criteria: CeGaT Center For Human Genetics Tuebingen Variant Classification Criteria Version 2. Collection method: clinical testing. Allele origin: germline. Affected: yes. Observed: 1 variant allele.
Comment: LCAT: BP4, BP7

Ambry Genetics
Classification: Likely benign for Cardiovascular phenotype. Last evaluated: 2022-07-11. Review status: criteria provided, single submitter. Criteria: Ambry Variant Classification Scheme 2023. Collection method: clinical testing. Allele origin: germline.